The following is an entry in ClinVar:

ClinVar aggregate classification (germline): Benign/Likely benign. Review status: criteria provided, multiple submitters, no conflicts (2 of 4 stars). 8 submissions from 8 submitters: Benign (2); Likely benign (3). 3 of the submissions do not count toward it. Last evaluated 2026-03-27.

Conditions:
LAMP2-related disorder. Also called: LAMP2-related condition.
Danon disease. Also called: PSEUDOGLYCOGENOSIS II; GSD IIb; LYSOSOMAL GLYCOGEN STORAGE DISEASE WITHOUT ACID MALTASE DEFICIENCY; ANTOPOL DISEASE; Glycogen Storage Disease Type IIb. Identifiers: Orphanet 34587, MedGen C0878677, MONDO:0010281, OMIM 300257.

Allele frequency attached by ClinVar (database versions not stated): gnomAD 0.00009; gnomAD exomes 0.00010 and 0.00014; TOPMed 0.00010; ExAC 0.00015.
gnomAD v4.1: 148 of 1,145,050 alleles (0.013%); highest among the groups gnomAD compares: South Asian, 0.028%; no homozygotes.

Submissions (8):

Molecular Diagnostic Laboratory for Inherited Cardiovascular Disease, Montreal Heart Institute
Classification: Likely benign. Last evaluated: 2026-03-27. Review status: criteria provided, single submitter. Criteria: ACMG Guidelines, 2015. Collection method: clinical testing. Allele origin: germline. Affected: no.
Comment: BS1, BP1, BP4, BP5, BP6

Labcorp Genetics (formerly Invitae), Labcorp
Classification: Benign for Danon disease. Last evaluated: 2026-01-25. Review status: criteria provided, single submitter. Criteria: Invitae Variant Classification Sherloc (09022015). Collection method: clinical testing. Allele origin: germline.

Blueprint Genetics
Classification: Likely benign. Last evaluated: 2024-08-22. Review status: criteria provided, single submitter. Criteria: ACMG Guidelines, 2015. Collection method: clinical testing. Allele origin: germline.

Illumina Laboratory Services, Illumina
Classification: Benign for Danon disease. Last evaluated: 2018-01-13. Review status: criteria provided, single submitter. Criteria: ICSL Variant Classification Criteria 13 December 2019. Collection method: clinical testing. Allele origin: germline.
Comment: This variant was observed in the ICSL laboratory as part of a predisposition screen in an ostensibly healthy population. It had not been previously curated by ICSL or reported in the Human Gene Mutation Database (HGMD: prior to June 1st, 2018), and was therefore a candidate for classification through an automated scoring system. Utilizing variant allele frequency, disease prevalence and penetrance estimates, and inheritance mode, an automated score was calculated to assess if this variant is too frequent to cause the disease. Based on the score and internal cut-off values, a variant classified as benign is not then subjected to further curation. The score for this variant resulted in a classification of benign for this disease.

GeneDx
Classification: Likely benign. Last evaluated: 2016-08-30. Review status: criteria provided, single submitter. Criteria: GeneDx Variant Classification (06012015). Collection method: clinical testing. Allele origin: germline. Affected: yes.
Comment: This variant is considered likely benign or benign based on one or more of the following criteria: it is a conservative change, it occurs at a poorly conserved position in the protein, it is predicted to be benign by multiple in silico algorithms, and/or has population frequency not consistent with disease.

PreventionGenetics, part of Exact Sciences
Classification: Likely benign for LAMP2-related condition. Last evaluated: 2022-12-21. Review status: no assertion criteria provided. Collection method: clinical testing. Allele origin: germline. Not counted in ClinVar's aggregate classification.
Comment: This variant is classified as likely benign based on ACMG/AMP sequence variant interpretation guidelines (Richards et al. 2015 PMID: 25741868, with internal and published modifications).

Clinical Genetics, Academic Medical Center
Classification: Likely benign. Review status: no assertion criteria provided. Collection method: clinical testing. Allele origin: germline. Affected: yes. Study: VKGL Data-share Consensus. Not counted in ClinVar's aggregate classification.

Genome Diagnostics Laboratory, University Medical Center Utrecht
Classification: Likely benign. Review status: no assertion criteria provided. Collection method: clinical testing. Allele origin: germline. Affected: yes. Study: VKGL Data-share Consensus. Not counted in ClinVar's aggregate classification.

NM_002294.3(LAMP2):c.157C>T (p.Arg53Cys)

Gene: LAMP2 (lysosome associated membrane protein 2; minus strand). Cytogenetic location: Xq24.
Variant type: single nucleotide variant.
Coding change: c.157C>T on transcript NM_002294.3 (MANE Select); coding-DNA position 157, C replaced by T.
Protein change: p.Arg53Cys; replaces arginine 53 with cysteine.
Molecular consequence: missense variant.
Genome position (GRCh38, 1-based): chrX:120,456,677, G>A on the plus strand (C>T on the coding strand, the complement: LAMP2 is on the minus strand). VCF-style: chrX-120456677-G-A. GRCh37 (hg19) VCF-style: chrX-119590532-G-A.
Other names: c.157C>T, p.Arg53Cys (NM_001122606.1, NM_013995.2); short protein forms R53C.
Identifiers: ClinVar variation 367788 (VCV000367788.22), dbSNP rs752321157, ClinGen allele CA10505344.